The following is an entry in ClinVar:

NM_003401.5(XRCC4):c.395A>G (p.Asp132Gly)

Gene: XRCC4 (X-ray repair cross complementing 4; plus strand). Cytogenetic location: 5q14.2.
Variant type: single nucleotide variant.
Coding change: c.395A>G on transcript NM_003401.5 (MANE Select); coding-DNA position 395, A replaced by G.
Protein change: p.Asp132Gly; replaces aspartic acid 132 with glycine.
Molecular consequence: missense variant.
Genome position (GRCh38, 1-based): chr5:83,195,849, A>G. VCF-style: chr5-83195849-A-G. GRCh37 (hg19) VCF-style: chr5-82491668-A-G.
Other names: c.395A>G, p.Asp132Gly (NM_001318012.3, NM_001318013.2, NM_022406.5 and 1 more transcripts); short protein forms D132G.
Identifiers: ClinVar variation 1386274 (VCV001386274.6), dbSNP rs1750915225, ClinGen allele CA360358540.

ClinVar aggregate classification (germline): Uncertain significance (1 of 4 stars; one submission).

gnomAD v4.1: 21 of 1,612,438 alleles (0.0013%); highest among the groups gnomAD compares: Non-Finnish European, 0.0018%; no homozygotes.

Submission:

Labcorp Genetics (formerly Invitae), Labcorp
Classification: Uncertain significance. Last evaluated: 2021-10-12. Review status: criteria provided, single submitter. Criteria: Invitae Variant Classification Sherloc (09022015). Collection method: clinical testing. Allele origin: germline.
Comment: In summary, the available evidence is currently insufficient to determine the role of this variant in disease. Therefore, it has been classified as a Variant of Uncertain Significance. Algorithms developed to predict the effect of missense changes on protein structure and function are either unavailable or do not agree on the potential impact of this missense change (SIFT: "Not Available"; PolyPhen-2: "Probably Damaging"; Align-GVGD: "Not Available"). This variant has not been reported in the literature in individuals affected with XRCC4-related conditions. This variant is not present in population databases (ExAC no frequency). This sequence change replaces aspartic acid with glycine at codon 132 of the XRCC4 protein (p.Asp132Gly). The aspartic acid residue is highly conserved and there is a moderate physicochemical difference between aspartic acid and glycine.